The following is an entry in ClinVar:

ClinVar aggregate classification (germline): Pathogenic/Likely pathogenic. Review status: criteria provided, multiple submitters, no conflicts (2 of 4 stars). 4 submissions from 4 submitters: Pathogenic (2); Likely pathogenic (1). 1 of the submissions does not count toward it. Last evaluated 2024-12-02.

Conditions:
Centromeric instability of chromosomes 1,9 and 16 and immunodeficiency (ICF1). Also called: CENTROMERIC INSTABILITY, IMMUNODEFICIENCY SYNDROME; IMMUNE DEFICIENCY, VARIABLE, WITH CENTROMERIC INSTABILITY OF CHROMOSOMES 1, 9, AND 16; IMMUNODEFICIENCY SYNDROME, VARIABLE; Immunodeficiency-centromeric instability-facial anomalies. Identifiers: Orphanet 2268, MedGen C0398788, MONDO:0000133.
Immunodeficiency-centromeric instability-facial anomalies syndrome 1 (ICF1). Identifiers: Orphanet 2268, MedGen C4551557, MONDO:0009454, OMIM 242860.
Facioscapulohumeral muscular dystrophy 4, digenic. Identifiers: MedGen C5561960, MONDO:0030355, OMIM 619478.

Allele frequency attached by ClinVar (database versions not stated): TOPMed below 0.00001; ExAC 0.00001; gnomAD exomes 0.00001.

Submissions (4):

Labcorp Genetics (formerly Invitae), Labcorp
Classification: Pathogenic for Centromeric instability of chromosomes 1,9 and 16 and immunodeficiency. Last evaluated: 2024-12-02. Review status: criteria provided, single submitter. Criteria: Invitae Variant Classification Sherloc (09022015). Collection method: clinical testing. Allele origin: germline.
Comment: This sequence change replaces alanine, which is neutral and non-polar, with threonine, which is neutral and polar, at codon 603 of the DNMT3B protein (p.Ala603Thr). This variant is present in population databases (rs121908943, gnomAD 0.003%). This missense change has been observed in individual(s) with immunodeficiency, centromeric instability, and facial anomalies syndrome (PMID: 10588719, 28713390; internal data). ClinVar contains an entry for this variant (Variation ID: 6740). Invitae Evidence Modeling of protein sequence and biophysical properties (such as structural, functional, and spatial information, amino acid conservation, physicochemical variation, residue mobility, and thermodynamic stability) indicates that this missense variant is expected to disrupt DNMT3B protein function with a positive predictive value of 95%. Experimental studies have shown that this missense change affects DNMT3B function (PMID: 15580563, 16501171). For these reasons, this variant has been classified as Pathogenic.

Fulgent Genetics
Classification: Pathogenic for Immunodeficiency-centromeric instability-facial anomalies syndrome 1; Facioscapulohumeral muscular dystrophy 4, digenic. Last evaluated: 2024-01-04. Review status: criteria provided, single submitter. Criteria: ACMG Guidelines, 2015. Collection method: clinical testing. Allele origin: germline.

Department of Pathology and Laboratory Medicine, Sinai Health System
Classification: Likely pathogenic for immunodeficiency-centromeric instability-facial anomalies syndrome 1. Last evaluated: 2023-03-24. Review status: criteria provided, single submitter. Criteria: ACMG Guidelines, 2015. Collection method: research. Allele origin: germline.

OMIM
Classification: Pathogenic for IMMUNODEFICIENCY-CENTROMERIC INSTABILITY-FACIAL ANOMALIES SYNDROME 1. Last evaluated: 1999-10-29. Review status: no assertion criteria provided. Collection method: literature only. Allele origin: germline. Not counted in ClinVar's aggregate classification.

Literature cited by the submitters: PubMed 10588719 (cited by Labcorp Genetics (formerly Invitae), Labcorp); PubMed 28713390 (cited by Labcorp Genetics (formerly Invitae), Labcorp); PubMed 15580563 (cited by Labcorp Genetics (formerly Invitae), Labcorp); PubMed 16501171 (cited by Labcorp Genetics (formerly Invitae), Labcorp); PubMed 10555141 (cited by OMIM).

NM_006892.4(DNMT3B):c.1807G>A (p.Ala603Thr)

Gene: DNMT3B (DNA methyltransferase 3 beta; plus strand). Cytogenetic location: 20q11.21.
Variant type: single nucleotide variant.
Coding change: c.1807G>A on transcript NM_006892.4 (MANE Select); coding-DNA position 1807, G replaced by A.
Protein change: p.Ala603Thr; replaces alanine 603 with threonine.
Molecular consequence: missense variant.
Genome position (GRCh38, 1-based): chr20:32,800,200, G>A. VCF-style: chr20-32800200-G-A. GRCh37 (hg19) VCF-style: chr20-31388006-G-A.
Other names: c.1621G>A, p.Ala541Thr (NM_001207055.2); c.1519G>A, p.Ala507Thr (NM_001207056.2); c.1747G>A, p.Ala583Thr (NM_175848.2, NM_175849.2); c.1783G>A, p.Ala595Thr (NM_175850.3); short protein forms A603T, A541T, A507T, A583T, A595T.
Identifiers: ClinVar variation 6740 (VCV000006740.8), dbSNP rs121908943, ClinGen allele CA118467.